The following is an entry in ClinVar:

ClinVar aggregate classification (germline): Pathogenic. Review status: criteria provided, multiple submitters, no conflicts (2 of 4 stars). 3 submissions from 3 submitters: Pathogenic (2). 1 of the submissions does not count toward it. Last evaluated 2022-01-05.

Conditions:
Microcephaly 5, primary, autosomal recessive (MCPH5). Also called: ASPM Primary Microcephaly. Identifiers: Orphanet 2512, MedGen C1837501, MONDO:0012106, OMIM 608716.

Allele frequency attached by ClinVar (database versions not stated): gnomAD exomes below 0.00001.
gnomAD v4.1: 5 of 1,611,592 alleles (0.00031%); highest among the groups gnomAD compares: South Asian, 0.0011%; no homozygotes.

Submissions (3):

Fulgent Genetics
Classification: Pathogenic for Microcephaly 5, primary, autosomal recessive. Last evaluated: 2022-01-05. Review status: criteria provided, single submitter. Criteria: ACMG Guidelines, 2015. Collection method: clinical testing. Allele origin: unknown.

Juno Genomics, Hangzhou Juno Genomics, Inc
Classification: Pathogenic for Microcephaly 5, primary, autosomal recessive. Review status: criteria provided, single submitter. Criteria: ACMG Guidelines, 2015. Collection method: clinical testing. Allele origin: germline.
Comment: Absent from controls (or at extremely low frequency if recessive) in Genome Aggregation Database.;Null variant in a gene where loss of function (LOF) is a known mechanism of disease.;For recessive disorders, detected in trans with a pathogenic variant.;Patient's phenotype or family history is highly specific for a disease with a single genetic etiology.

GeneReviews
No classification provided. Condition: Microcephaly 5, primary, autosomal recessive. Review status: no classification provided. Collection method: literature only. Allele origin: unknown. Not counted in ClinVar's aggregate classification.

Literature cited by the submitters: PubMed 20301772 (cited by GeneReviews); NCBI Bookshelf NBK9587 (cited by GeneReviews).

NM_018136.5(ASPM):c.9319C>T (p.Arg3107Ter)

Gene: ASPM (assembly factor for spindle microtubules; minus strand). Cytogenetic location: 1q31.3.
Variant type: single nucleotide variant.
Coding change: c.9319C>T on transcript NM_018136.5 (MANE Select); coding-DNA position 9319, C replaced by T.
Protein change: p.Arg3107Ter; replaces arginine 3107 with a stop codon.
Molecular consequence: nonsense.
Genome position (GRCh38, 1-based): chr1:197,092,032, G>A on the plus strand (C>T on the coding strand, the complement: ASPM is on the minus strand). VCF-style: chr1-197092032-G-A. GRCh37 (hg19) VCF-style: chr1-197061162-G-A.
Other names: c.4564C>T, p.Arg1522Ter (NM_001206846.2); short protein forms R3107*, R1522*.
Identifiers: ClinVar variation 21623 (VCV000021623.6), dbSNP rs199422187, ClinGen allele CA342293.